The following is an entry in ClinVar:

ClinVar aggregate classification (germline): Benign. Review status: criteria provided, multiple submitters, no conflicts (2 of 4 stars). 2 submissions from 2 submitters: Benign (2). Last evaluated 2016-03-29.

Allele frequency attached by ClinVar (database versions not stated): ESP Exome Variant Server 0.02407; gnomAD 0.02421 and 0.02816; TOPMed 0.02619; 1000 Genomes Project 30x 0.04107; 1000 Genomes Project 0.04153; ExAC 0.04562.

Submissions (2):

Laboratory for Molecular Medicine, Mass General Brigham Personalized Medicine
Classification: Benign. Last evaluated: 2016-03-29. Review status: criteria provided, single submitter. Criteria: LMM Criteria. Collection method: clinical testing. Allele origin: germline.
Comment: Variant identified in a genome or exome case(s) and assessed due to predicted null impact of the variant or pathogenic assertions in the literature or databases. Disclaimer: This variant has not undergone full assessment. The following are preliminary notes: Frequency

Breakthrough Genomics
Classification: Benign. Review status: criteria provided, single submitter. Criteria: ACMG Guidelines, 2015. Collection method: not provided. Allele origin: germline. Inheritance: Unknown mechanism. Affected: yes.

NM_033103.5(RHPN2):c.1552C>T (p.Arg518Cys)

Gene: RHPN2 (rhophilin Rho GTPase binding protein 2; minus strand). Cytogenetic location: 19q13.11.
Variant type: single nucleotide variant.
Coding change: c.1552C>T on transcript NM_033103.5 (MANE Select); coding-DNA position 1552, C replaced by T.
Protein change: p.Arg518Cys; replaces arginine 518 with cysteine.
Molecular consequence: missense variant.
Genome position (GRCh38, 1-based): chr19:32,991,915, G>A on the plus strand (C>T on the coding strand, the complement: RHPN2 is on the minus strand). VCF-style: chr19-32991915-G-A. GRCh37 (hg19) VCF-style: chr19-33482821-G-A.
Other names: short protein forms R518C.
Identifiers: ClinVar variation 403376 (VCV000403376.5), dbSNP rs79314177, ClinGen allele CA9360352.